The following is an entry in ClinVar:

NM_006277.3(ITSN2):c.760A>G (p.Thr254Ala)

Gene: ITSN2 (intersectin 2; minus strand). Cytogenetic location: 2p23.3.
Variant type: single nucleotide variant.
Coding change: c.760A>G on transcript NM_006277.3 (MANE Select); coding-DNA position 760, A replaced by G.
Protein change: p.Thr254Ala; replaces threonine 254 with alanine.
Molecular consequence: missense variant.
Genome position (GRCh38, 1-based): chr2:24,308,650, T>C on the plus strand (A>G on the coding strand, the complement: ITSN2 is on the minus strand). VCF-style: chr2-24308650-T-C. GRCh37 (hg19) VCF-style: chr2-24531519-T-C.
Other names: c.718A>G, p.Thr240Ala (NM_001348181.2, NM_001348184.2); c.760A>G, p.Thr254Ala (NM_001348182.2, NM_001348183.2, NM_001348185.2 and 3 more transcripts); c.760A>G (NM_006277.2); short protein forms T254A, T240A.
Identifiers: ClinVar variation 2053977 (VCV002053977.6), dbSNP rs6744320, ClinGen allele CA1551668.

ClinVar aggregate classification (germline): Benign. Review status: criteria provided, single submitter (1 of 4 stars). 2 submissions from 2 submitters: Benign (1). 1 of the submissions does not count toward it. Last evaluated 2025-12-23.

Conditions:
ITSN2-related disorder. Also called: ITSN2-related condition.

Allele frequency attached by ClinVar (database versions not stated): gnomAD exomes 0.00055; ExAC 0.00183; 1000 Genomes Project 0.00419; 1000 Genomes Project 30x 0.00500; gnomAD 0.00605; TOPMed 0.00691; ESP Exome Variant Server 0.00823.
gnomAD v4.1: 1,689 of 1,535,362 alleles (0.11%); highest among the groups gnomAD compares: African/African-American, 2.2%; 17 homozygotes.

Submissions (2):

Labcorp Genetics (formerly Invitae), Labcorp
Classification: Benign. Last evaluated: 2025-12-23. Review status: criteria provided, single submitter. Criteria: Invitae Variant Classification Sherloc (09022015). Collection method: clinical testing. Allele origin: germline.

PreventionGenetics, part of Exact Sciences
Classification: Benign for ITSN2-related condition. Last evaluated: 2019-05-20. Review status: no assertion criteria provided. Collection method: clinical testing. Allele origin: germline. Not counted in ClinVar's aggregate classification.
Comment: This variant is classified as benign based on ACMG/AMP sequence variant interpretation guidelines (Richards et al. 2015 PMID: 25741868, with internal and published modifications).